The following is an entry in ClinVar:

ClinVar aggregate classification (germline): Uncertain significance (1 of 4 stars; one submission).

Conditions:
Multiple endocrine neoplasia, type 2 (MEN2). Identifiers: Orphanet 653, MedGen C4048306, MONDO:0019003. Disease mechanism: gain of function.

Submission:

Labcorp Genetics (formerly Invitae), Labcorp
Classification: Uncertain significance for Multiple endocrine neoplasia, type 2. Last evaluated: 2016-05-05. Review status: criteria provided, single submitter. Criteria: Invitae Variant Classification Sherloc (09022015). Collection method: clinical testing. Allele origin: germline.
Comment: Algorithms developed to predict the effect of missense changes on protein structure and function do not agree on the potential impact of this missense change (SIFT: "Tolerated"; PolyPhen-2: "Probably Damaging"; Align-GVGD: "Class C0"). In summary, this variant is a novel missense change with uncertain impact on protein function. It has been classified as a Variant of Uncertain Significance. This variant is not present in population databases (ExAC no frequency) and has not been reported in the literature in individuals with a RET-related disease. This sequence change replaces asparagine with serine at codon 179 of the RET protein (p.Asn179Ser). The asparagine residue is moderately conserved and there is a small physicochemical difference between asparagine and serine.

NM_020975.6(RET):c.536A>G (p.Asn179Ser)

Gene: RET (ret proto-oncogene; plus strand). Cytogenetic location: 10q11.21.
Variant type: single nucleotide variant.
Coding change: c.536A>G on transcript NM_020975.6 (MANE Select); coding-DNA position 536, A replaced by G.
Protein change: p.Asn179Ser; replaces asparagine 179 with serine.
Molecular consequence: missense variant.
Genome position (GRCh38, 1-based): chr10:43,102,540, A>G. VCF-style: chr10-43102540-A-G. GRCh37 (hg19) VCF-style: chr10-43597988-A-G.
Other names: c.536A>G, p.Asn179Ser (NM_000323.2, NM_001406743.1, NM_001406744.1 and 16 more transcripts); c.407A>G, p.Asn136Ser (NM_001406761.1, NM_001406762.1, NM_001406764.1 and 4 more transcripts); short protein forms N179S, N136S.
Identifiers: ClinVar variation 405533 (VCV000405533.9), dbSNP rs1060500757, ClinGen allele CA16612784.